The following is an entry in ClinVar:

ClinVar aggregate classification (germline): Pathogenic/Likely pathogenic. Review status: criteria provided, multiple submitters, no conflicts (2 of 4 stars). 9 submissions from 9 submitters: Pathogenic (5); Likely pathogenic (3). 1 of the submissions does not count toward it. Last evaluated 2025-06-04.

Conditions:
Abnormality of the musculature. Identifiers: MedGen C4021745, HP:0003011.
Central core myopathy (CMYO1A). Also called: Central core disease; Myopathy, central fibrillar; CONGENITAL MYOPATHY 1A, AUTOSOMAL DOMINANT, WITH SUSCEPTIBILITY TO MALIGNANT HYPERTHERMIA. Identifiers: Orphanet 597, MedGen C5830701, MONDO:0007294, OMIM 117000.
Malignant hyperthermia, susceptibility to, 1 (MHS1). Also called: Anesthesia related hyperthermia; Malignant hyperpyrexia; Fulminating hyperpyrexia; Pharmacogenic myopathy; RYR1-Related Malignant Hyperthermia Susceptibility; Malignant hyperthermia suceptibility 1. Identifiers: Orphanet 423, MedGen C2930980, MONDO:0007783, OMIM 145600.
RYR1-related myopathy. Identifiers: Orphanet 98742, MedGen CN305348, MONDO:0100150.
RYR1-related disorder. Also called: RYR1-related condition; RYR1-related disorders. Identifiers: MedGen CN239331.

Allele frequency attached by ClinVar (database versions not stated): gnomAD exomes below 0.00001.
gnomAD v4.1: 2 of 1,614,108 alleles (0.00012%); highest among the groups gnomAD compares: South Asian, 0.0011%; no homozygotes.

Submissions (9):

Institute of Immunology and Genetics Kaiserslautern
Classification: Likely pathogenic for Central core myopathy; Malignant hyperthermia, susceptibility to, 1. Last evaluated: 2025-06-04. Review status: criteria provided, single submitter. Criteria: ACMG Guidelines, 2015. Collection method: clinical testing. Allele origin: germline. Affected: yes.
Comment: ACMG Criteria: PM2, PM5, PM1, PP5; Variant was found in heterozygous state.

Genomic Research Center, Shahid Beheshti University of Medical Sciences
Classification: Pathogenic. Last evaluated: 2024-09-01. Review status: criteria provided, single submitter. Criteria: ACMG Guidelines, 2015. Collection method: clinical testing. Allele origin: unknown. Affected: yes. Observed: 1 variant allele.

Department of Genetics, Rouen University Hospital, Normandy Center for Genomic and Personalized Medicine
Classification: Pathogenic for RYR1-related myopathy. Last evaluated: 2023-01-16. Review status: criteria provided, single submitter. Criteria: ACMG Guidelines, 2015. Collection method: clinical testing. Allele origin: maternal. Affected: yes.

Labcorp Genetics (formerly Invitae), Labcorp
Classification: Pathogenic for RYR1-related disorder. Last evaluated: 2022-10-30. Review status: criteria provided, single submitter. Criteria: Invitae Variant Classification Sherloc (09022015). Collection method: clinical testing. Allele origin: germline.
Comment: This sequence change replaces asparagine, which is neutral and polar, with aspartic acid, which is acidic and polar, at codon 4806 of the RYR1 protein (p.Asn4806Asp). For these reasons, this variant has been classified as Pathogenic. Advanced modeling of protein sequence and biophysical properties (such as structural, functional, and spatial information, amino acid conservation, physicochemical variation, residue mobility, and thermodynamic stability) performed at Invitae indicates that this missense variant is expected to disrupt RYR1 protein function. ClinVar contains an entry for this variant (Variation ID: 265505). This missense change has been observed in individuals with autosomal recessive RYR1-related conditions (PMID: 22473935, 25960145, 27234031, 28818389). This variant is not present in population databases (gnomAD no frequency).

Kariminejad - Najmabadi Pathology & Genetics Center
Classification: Pathogenic for Abnormality of the musculature. Last evaluated: 2021-07-10. Review status: criteria provided, single submitter. Criteria: ACMG Guidelines, 2015. Collection method: clinical testing. Allele origin: germline. Affected: yes.

AiLife Diagnostics
Classification: Likely pathogenic. Last evaluated: 2021-05-16. Review status: criteria provided, single submitter. Criteria: ACMG Guidelines, 2015. Collection method: clinical testing. Allele origin: germline. Affected: yes. Observed: 1 variant allele.

GeneDx
Classification: Pathogenic. Last evaluated: 2019-12-11. Review status: criteria provided, single submitter. Criteria: GeneDx Variant Classification Process June 2021. Collection method: clinical testing. Allele origin: germline. Affected: yes.
Comment: Published functional studies demonstrate an impairment of the calcium release channel function and regulation at the Asn4806 residue (Du et al., 1998); Not observed in large population cohorts (Lek et al., 2016); In silico analysis, which includes protein predictors and evolutionary conservation, supports a deleterious effect; This variant is associated with the following publications: (PMID: 22473935, 28818389, 27234031, 9822655)

PreventionGenetics, part of Exact Sciences
Classification: Likely pathogenic. Last evaluated: 2015-08-07. Review status: criteria provided, single submitter. Criteria: ACMG Guidelines, 2015. Collection method: clinical testing. Allele origin: germline.

Eurofins Ntd Llc (ga)
Classification: Uncertain significance. Last evaluated: 2015-10-19. Review status: flagged submission. Criteria: EGL Classification Definitions 2015. Collection method: clinical testing. Allele origin: germline. Observed: 2 variant alleles, 2 heterozygotes. Not counted in ClinVar's aggregate classification.
ClinVar note: Reason: Outlier claim with insufficient supporting evidence

Literature cited by the submitters: PubMed 22473935 (cited by 3 submitters); PubMed 25960145 (cited by Labcorp Genetics (formerly Invitae), Labcorp); PubMed 27234031 (cited by Labcorp Genetics (formerly Invitae), Labcorp and AiLife Diagnostics); PubMed 28818389 (cited by Labcorp Genetics (formerly Invitae), Labcorp and AiLife Diagnostics).

NM_000540.3(RYR1):c.14416A>G (p.Asn4806Asp)

Gene: RYR1 (ryanodine receptor 1; plus strand). Cytogenetic location: 19q13.2.
Variant type: single nucleotide variant.
Coding change: c.14416A>G on transcript NM_000540.3 (MANE Select); coding-DNA position 14416, A replaced by G.
Protein change: p.Asn4806Asp; replaces asparagine 4806 with aspartic acid.
Molecular consequence: missense variant.
Genome position (GRCh38, 1-based): chr19:38,580,033, A>G. VCF-style: chr19-38580033-A-G. GRCh37 (hg19) VCF-style: chr19-39070673-A-G.
Other names: c.14401A>G, p.Asn4801Asp (NM_001042723.2); short protein forms N4806D, N4801D.
Identifiers: ClinVar variation 265505 (VCV000265505.44), dbSNP rs886039586, ClinGen allele CA10588687.
Genomic context (GRCh38, chr19:38,580,033, plus strand): 5'-TGCCCACAGTCCTTCCTGTACCTGGGCTGGTATATGGTGATGTCCCTCTTGGGACACTAC[A>G]ACAACTTCTTCTTTGCTGCCCATCTCCTGGACATCGCCATGGGGGTCAAGACGCTGCGCA-3'
Protein context (NP_000531.2, residues 4796-4816): YMVMSLLGHY[Asn4806Asp]NFFFAAHLLD